The following is an entry in ClinVar:

NM_001085487.3(MYSM1):c.2391C>A (p.Phe797Leu)

Gene: MYSM1 (Myb like, SWIRM and MPN domains 1; minus strand). Cytogenetic location: 1p32.1.
Variant type: single nucleotide variant.
Coding change: c.2391C>A on transcript NM_001085487.3 (MANE Select); coding-DNA position 2391, C replaced by A.
Protein change: p.Phe797Leu; replaces phenylalanine 797 with leucine.
Molecular consequence: missense variant.
Genome position (GRCh38, 1-based): chr1:58,660,093, G>T on the plus strand (C>A on the coding strand, the complement: MYSM1 is on the minus strand). VCF-style: chr1-58660093-G-T. GRCh37 (hg19) VCF-style: chr1-59125765-G-T.
Other names: short protein forms F797L.
Identifiers: ClinVar variation 1400464 (VCV001400464.8), dbSNP rs2100582765, ClinGen allele CA340517590.

ClinVar aggregate classification (germline): Uncertain significance (1 of 4 stars; one submission).

Allele frequency attached by ClinVar (database versions not stated): gnomAD exomes below 0.00001.
gnomAD v4.1: 1 of 1,610,920 alleles (0.000062%); highest among the groups gnomAD compares: Admixed American, 0.0017%; no homozygotes.

Submission:

Labcorp Genetics (formerly Invitae), Labcorp
Classification: Uncertain significance. Last evaluated: 2024-10-15. Review status: criteria provided, single submitter. Criteria: Invitae Variant Classification Sherloc (09022015). Collection method: clinical testing. Allele origin: germline.
Comment: This sequence change replaces phenylalanine, which is neutral and non-polar, with leucine, which is neutral and non-polar, at codon 797 of the MYSM1 protein (p.Phe797Leu). This variant is not present in population databases (gnomAD no frequency). This variant has not been reported in the literature in individuals affected with MYSM1-related conditions. ClinVar contains an entry for this variant (Variation ID: 1400464). Invitae Evidence Modeling of protein sequence and biophysical properties (such as structural, functional, and spatial information, amino acid conservation, physicochemical variation, residue mobility, and thermodynamic stability) indicates that this missense variant is not expected to disrupt MYSM1 protein function with a negative predictive value of 80%. In summary, the available evidence is currently insufficient to determine the role of this variant in disease. Therefore, it has been classified as a Variant of Uncertain Significance.